The following is an entry in ClinVar:

ClinVar aggregate classification (germline): Uncertain significance. Review status: criteria provided, multiple submitters, no conflicts (2 of 4 stars). 2 submissions from 2 submitters: Uncertain significance (2). Last evaluated 2023-02-16.

Conditions:
Hereditary cancer-predisposing syndrome. Also called: Hereditary neoplastic syndrome; Neoplastic Syndromes, Hereditary; Hereditary Cancer Syndrome; Tumor predisposition. Identifiers: Orphanet 140162, MedGen C0027672, MeSH D009386, MONDO:0015356.
Familial adenomatous polyposis 1 (FAP1). Also called: FAMILIAL ADENOMATOUS POLYPOSIS 1, ATTENUATED; POLYPOSIS, ADENOMATOUS INTESTINAL. Identifiers: MedGen C2713442, MONDO:0021056, OMIM 175100. Disease mechanism: loss of function.

Submissions (2):

Ambry Genetics
Classification: Uncertain significance for Hereditary cancer-predisposing syndrome. Last evaluated: 2023-02-16. Review status: criteria provided, single submitter. Criteria: Ambry Variant Classification Scheme 2023. Collection method: clinical testing. Allele origin: germline.
Comment: The p.E565D variant (also known as c.1695A>C), located in coding exon 13 of the APC gene, results from an A to C substitution at nucleotide position 1695. The glutamic acid at codon 565 is replaced by aspartic acid, an amino acid with highly similar properties. This amino acid position is highly conserved in available vertebrate species. In addition, in silico predictors for this gene do not accurately predict pathogenicity. Since supporting evidence is limited at this time, the clinical significance of this alteration remains unclear.

Labcorp Genetics (formerly Invitae), Labcorp
Classification: Uncertain significance for Familial adenomatous polyposis 1. Last evaluated: 2022-09-23. Review status: criteria provided, single submitter. Criteria: Invitae Variant Classification Sherloc (09022015). Collection method: clinical testing. Allele origin: germline.
Comment: Advanced modeling of protein sequence and biophysical properties (such as structural, functional, and spatial information, amino acid conservation, physicochemical variation, residue mobility, and thermodynamic stability) performed at Invitae indicates that this missense variant is not expected to disrupt APC protein function. In summary, the available evidence is currently insufficient to determine the role of this variant in disease. Therefore, it has been classified as a Variant of Uncertain Significance. This variant is not present in population databases (gnomAD no frequency). This sequence change replaces glutamic acid, which is acidic and polar, with aspartic acid, which is acidic and polar, at codon 565 of the APC protein (p.Glu565Asp). This variant has not been reported in the literature in individuals affected with APC-related conditions.

NM_000038.6(APC):c.1695A>C (p.Glu565Asp)

Gene: APC (APC regulator of Wnt signaling pathway; plus strand). Cytogenetic location: 5q22.2.
Variant type: single nucleotide variant.
Coding change: c.1695A>C on transcript NM_000038.6 (MANE Select); coding-DNA position 1695, A replaced by C.
Protein change: p.Glu565Asp; replaces glutamic acid 565 with aspartic acid.
Molecular consequence: missense variant.
Genome position (GRCh38, 1-based): chr5:112,828,924, A>C. VCF-style: chr5-112828924-A-C. GRCh37 (hg19) VCF-style: chr5-112164621-A-C.
Other names: c.1695A>C, p.Glu565Asp (NM_001127510.3, NM_001354895.2, NM_001407450.1); c.1641A>C, p.Glu547Asp (NM_001127511.3); c.1749A>C, p.Glu583Asp (NM_001354896.2, NM_001407447.1, NM_001407448.1 and 1 more transcripts); c.1725A>C, p.Glu575Asp (NM_001354897.2); c.1620A>C, p.Glu540Asp (NM_001354898.2); c.1611A>C, p.Glu537Asp (NM_001354899.2); c.1572A>C, p.Glu524Asp (NM_001354900.2); c.1518A>C, p.Glu506Asp (NM_001354901.2, NM_001407453.1); and 12 more; short protein forms E181D, E282D, E405D, E436D, E439D, E464D, E474D, E482D.
Identifiers: ClinVar variation 1720158 (VCV001720158.8), dbSNP rs77921116, ClinGen allele CA16025011.